The following is an entry in ClinVar:

NM_001291088.2(WDR87):c.5953G>A (p.Gly1985Arg)

Gene: WDR87 (WD repeat domain 87; minus strand). Cytogenetic location: 19q13.13.
Variant type: single nucleotide variant.
Coding change: c.5953G>A on transcript NM_001291088.2 (MANE Select); coding-DNA position 5953, G replaced by A.
Protein change: p.Gly1985Arg; replaces glycine 1985 with arginine.
Molecular consequence: missense variant.
Genome position (GRCh38, 1-based): chr19:37,887,718, C>T on the plus strand (G>A on the coding strand, the complement: WDR87 is on the minus strand). VCF-style: chr19-37887718-C-T. GRCh37 (hg19) VCF-style: chr19-38378358-C-T.
Other names: c.5836G>A, p.Gly1946Arg (NM_031951.5); short protein forms G1946R, G1985R.
Identifiers: ClinVar variation 1515025 (VCV001515025.6), dbSNP rs574650192, ClinGen allele CA9408544.

ClinVar aggregate classification (germline): Uncertain significance (1 of 4 stars; one submission).

Allele frequency attached by ClinVar (database versions not stated): gnomAD 0.00001; gnomAD exomes 0.00002 and 0.00004; ExAC 0.00013; 1000 Genomes Project 30x 0.00031; 1000 Genomes Project 0.00040.
gnomAD v4.1: 36 of 1,552,080 alleles (0.0023%); highest among the groups gnomAD compares: South Asian, 0.039%; 1 homozygote.

Submission:

Labcorp Genetics (formerly Invitae), Labcorp
Classification: Uncertain significance. Last evaluated: 2025-09-03. Review status: criteria provided, single submitter. Criteria: Invitae Variant Classification Sherloc (09022015). Collection method: clinical testing. Allele origin: germline.
Comment: This sequence change replaces glycine, which is neutral and non-polar, with arginine, which is basic and polar, at codon 1946 of the WDR87 protein (p.Gly1946Arg). This variant is present in population databases (rs574650192, gnomAD 0.04%). This variant has not been reported in the literature in individuals affected with WDR87-related conditions. ClinVar contains an entry for this variant (Variation ID: 1515025). An algorithm developed to predict the effect of missense changes on protein structure and function (PolyPhen-2) suggests that this variant is likely to be tolerated. In summary, the available evidence is currently insufficient to determine the role of this variant in disease. Therefore, it has been classified as a Variant of Uncertain Significance.